The following is an entry in ClinVar:

ClinVar aggregate classification (germline): Uncertain significance. Review status: criteria provided, multiple submitters, no conflicts (2 of 4 stars). 2 submissions from 2 submitters: Uncertain significance (2). Last evaluated 2025-11-12.

Conditions:
Hereditary spastic paraplegia 50 (SPG50). Also called: Spastic paraplegia 50, autosomal recessive. Identifiers: Orphanet 280763, MedGen C2752008, MONDO:0013048, OMIM 612936.

Allele frequency attached by ClinVar (database versions not stated): gnomAD 0.00001; gnomAD exomes 0.00003 and 0.00007; TOPMed 0.00003; ExAC 0.00004.
gnomAD v4.1: 40 of 1,613,916 alleles (0.0025%); highest among the groups gnomAD compares: Admixed American, 0.027%; no homozygotes.

Submissions (2):

GeneDx
Classification: Uncertain significance. Last evaluated: 2025-11-12. Review status: criteria provided, single submitter. Criteria: GeneDx Variant Classification Process June 2021. Collection method: clinical testing. Allele origin: germline. Affected: yes.
Comment: In silico analysis supports that this missense variant does not alter protein structure/function; Has not been previously published as pathogenic or benign to our knowledge

Labcorp Genetics (formerly Invitae), Labcorp
Classification: Uncertain significance for Hereditary spastic paraplegia 50. Last evaluated: 2022-08-19. Review status: criteria provided, single submitter. Criteria: Invitae Variant Classification Sherloc (09022015). Collection method: clinical testing. Allele origin: germline.
Comment: This sequence change replaces arginine, which is basic and polar, with glutamine, which is neutral and polar, at codon 338 of the AP4M1 protein (p.Arg338Gln). This variant is present in population databases (rs536356225, gnomAD 0.04%). This variant has not been reported in the literature in individuals affected with AP4M1-related conditions. ClinVar contains an entry for this variant (Variation ID: 1312874). Algorithms developed to predict the effect of missense changes on protein structure and function are either unavailable or do not agree on the potential impact of this missense change (SIFT: "Deleterious"; PolyPhen-2: "Benign"; Align-GVGD: "Class C0"). In summary, the available evidence is currently insufficient to determine the role of this variant in disease. Therefore, it has been classified as a Variant of Uncertain Significance.

NM_004722.4(AP4M1):c.1013G>A (p.Arg338Gln)

Gene: AP4M1 (adaptor related protein complex 4 subunit mu 1; plus strand). Cytogenetic location: 7q22.1.
Variant type: single nucleotide variant.
Coding change: c.1013G>A on transcript NM_004722.4 (MANE Select); coding-DNA position 1013, G replaced by A.
Protein change: p.Arg338Gln; replaces arginine 338 with glutamine.
Molecular consequence: missense variant.
Genome position (GRCh38, 1-based): chr7:100,106,279, G>A. VCF-style: chr7-100106279-G-A. GRCh37 (hg19) VCF-style: chr7-99703902-G-A.
Other names: c.1034G>A, p.Arg345Gln (NM_001363671.2); short protein forms R338Q, R345Q.
Identifiers: ClinVar variation 1312874 (VCV001312874.8), dbSNP rs536356225, ClinGen allele CA4374920.
Genomic context (GRCh38, chr7:100,106,279, plus strand): 5'-TTTGTTCCCGTCTCCTCTGTAGCCAAGCCCTCAATGTCAGGCTGCACCTCCCCCTGCCTC[G>A]AGGGGTGGTCAGGTGAGTGTGTGCACCCACCACGGGGAGATTCCTGGGGAGAGAGTGAGC-3'
Protein context (NP_004713.2, residues 328-348): LNVRLHLPLP[Arg338Gln]GVVSLSQELS